The following is an entry in ClinVar:

ClinVar aggregate classification (germline): Uncertain significance (1 of 4 stars; one submission).

Allele frequency attached by ClinVar (database versions not stated): gnomAD 0.00001.
gnomAD v4.1: 1 of 1,614,030 alleles (0.000062%); highest among the groups gnomAD compares: Non-Finnish European, 0.000085%; no homozygotes.

Submission:

GeneDx
Classification: Uncertain significance. Last evaluated: 2023-04-06. Review status: criteria provided, single submitter. Criteria: GeneDx Variant Classification Process June 2021. Collection method: clinical testing. Allele origin: germline. Affected: yes.
Comment: Not observed at significant frequency in large population cohorts (gnomAD); In silico analysis supports that this missense variant has a deleterious effect on protein structure/function; Has not been previously published as pathogenic or benign to our knowledge

NM_001395656.1(ROBO2):c.3452A>T (p.Gln1151Leu)

Gene: ROBO2 (roundabout guidance receptor 2; plus strand). Cytogenetic location: 3p12.3.
Variant type: single nucleotide variant.
Coding change: c.3452A>T on transcript NM_001395656.1 (MANE Select); coding-DNA position 3452, A replaced by T.
Protein change: p.Gln1151Leu; replaces glutamine 1151 with leucine.
Molecular consequence: missense variant.
Genome position (GRCh38, 1-based): chr3:77,617,659, A>T. VCF-style: chr3-77617659-A-T. GRCh37 (hg19) VCF-style: chr3-77666810-A-T.
Other names: c.3488A>T, p.Gln1163Leu (NM_001128929.3); c.3452A>T, p.Gln1151Leu (NM_001290039.2, NM_001290040.2); c.1661A>T, p.Gln554Leu (NM_001290065.2); c.3500A>T, p.Gln1167Leu (NM_001378190.1, NM_001378200.1, NM_001378201.1 and 1 more transcripts); c.3626A>T, p.Gln1209Leu (NM_001378191.1, NM_001378195.1, NM_001378196.1); c.3521A>T, p.Gln1174Leu (NM_001378192.1, NM_001378198.1, NM_001378199.1); c.3440A>T, p.Gln1147Leu (NM_001378193.1, NM_002942.5); c.3638A>T, p.Gln1213Leu (NM_001378194.1); and 5 more; short protein forms Q1147L, Q1148L, Q1151L, Q1163L, Q1167L, Q1170L, Q1174L, Q1189L.
Identifiers: ClinVar variation 2662572 (VCV002662572.1), dbSNP rs2094810463, ClinGen allele CA353531623.